The following is an entry in ClinVar:

NM_133433.4(NIPBL):c.1004A>G (p.Glu335Gly)

Gene: NIPBL (NIPBL cohesin loading factor; plus strand). Cytogenetic location: 5p13.2.
Variant type: single nucleotide variant.
Coding change: c.1004A>G on transcript NM_133433.4 (MANE Select); coding-DNA position 1004, A replaced by G.
Protein change: p.Glu335Gly; replaces glutamic acid 335 with glycine.
Molecular consequence: missense variant.
Genome position (GRCh38, 1-based): chr5:36,975,911, A>G. VCF-style: chr5-36975911-A-G. GRCh37 (hg19) VCF-style: chr5-36976013-A-G.
Other names: c.1004A>G, p.Glu335Gly (NM_015384.5); short protein forms E335G.
Identifiers: ClinVar variation 1717168 (VCV001717168.5), dbSNP rs1743388549, ClinGen allele CA359483439.

ClinVar aggregate classification (germline): Uncertain significance (1 of 4 stars; one submission).

Conditions:
Cornelia de Lange syndrome 1 (CDLS1). Also called: TYPUS DEGENERATIVUS AMSTELODAMENSIS; Brachmann de Lange syndrome; NIPBL-Related Cornelia de Lange Syndrome. Identifiers: Orphanet 199, MedGen C4551851, MONDO:0007387, OMIM 122470.

Allele frequency attached by ClinVar (database versions not stated): TOPMed below 0.00001.

Submission:

Labcorp Genetics (formerly Invitae), Labcorp
Classification: Uncertain significance for Cornelia de Lange syndrome 1. Last evaluated: 2022-08-20. Review status: criteria provided, single submitter. Criteria: Invitae Variant Classification Sherloc (09022015). Collection method: clinical testing. Allele origin: germline.
Comment: In summary, the available evidence is currently insufficient to determine the role of this variant in disease. Therefore, it has been classified as a Variant of Uncertain Significance. Advanced modeling of protein sequence and biophysical properties (such as structural, functional, and spatial information, amino acid conservation, physicochemical variation, residue mobility, and thermodynamic stability) performed at Invitae indicates that this missense variant is expected to disrupt NIPBL protein function. This variant has not been reported in the literature in individuals affected with NIPBL-related conditions. This variant is not present in population databases (gnomAD no frequency). This sequence change replaces glutamic acid, which is acidic and polar, with glycine, which is neutral and non-polar, at codon 335 of the NIPBL protein (p.Glu335Gly).